The following is an entry in ClinVar:

ClinVar aggregate classification (germline): Uncertain significance (1 of 4 stars; one submission).

Conditions:
Tuberous sclerosis 1 (TSC1). Identifiers: Orphanet 805, MedGen C1854465, MONDO:0008612, OMIM 191100.

Submission:

Labcorp Genetics (formerly Invitae), Labcorp
Classification: Uncertain significance for Tuberous sclerosis 1. Last evaluated: 2025-05-19. Review status: criteria provided, single submitter. Criteria: Invitae Variant Classification Sherloc (09022015). Collection method: clinical testing. Allele origin: germline.
Comment: This sequence change replaces glutamic acid, which is acidic and polar, with glycine, which is neutral and non-polar, at codon 423 of the TSC1 protein (p.Glu423Gly). This variant is not present in population databases (gnomAD no frequency). This variant has not been reported in the literature in individuals affected with TSC1-related conditions. Invitae Evidence Modeling of protein sequence and biophysical properties (such as structural, functional, and spatial information, amino acid conservation, physicochemical variation, residue mobility, and thermodynamic stability) indicates that this missense variant is not expected to disrupt TSC1 protein function with a negative predictive value of 95%. In summary, the available evidence is currently insufficient to determine the role of this variant in disease. Therefore, it has been classified as a Variant of Uncertain Significance.

NM_000368.5(TSC1):c.1268A>G (p.Glu423Gly)

Gene: TSC1 (TSC complex subunit 1; minus strand). Cytogenetic location: 9q34.13.
Variant type: single nucleotide variant.
Coding change: c.1268A>G on transcript NM_000368.5 (MANE Select); coding-DNA position 1268, A replaced by G.
Protein change: p.Glu423Gly; replaces glutamic acid 423 with glycine.
Molecular consequence: missense variant. On other transcripts: non-coding transcript variant (5).
Genome position (GRCh38, 1-based): chr9:132,907,366, T>C on the plus strand (A>G on the coding strand, the complement: TSC1 is on the minus strand). VCF-style: chr9-132907366-T-C. GRCh37 (hg19) VCF-style: chr9-135782753-T-C.
Other names: c.905A>G, p.Glu302Gly (NM_001406616.1, NM_001406617.1, NM_001406618.1 and 5 more transcripts); c.902A>G, p.Glu301Gly (NM_001406620.1, NM_001406621.1, NM_001406622.1 and 2 more transcripts); c.317A>G, p.Glu106Gly (NM_001406626.1); c.314A>G, p.Glu105Gly (NM_001406627.1, NM_001406628.1); c.215A>G, p.Glu72Gly (NM_001406629.1, NM_001406630.1); c.1268A>G, p.Glu423Gly (NM_001406606.1, NM_001406607.1, NM_001406601.1 and 7 more transcripts); c.1265A>G, p.Glu422Gly (NM_001406608.1, NM_001406609.1, NM_001406600.1 and 6 more transcripts); c.1115A>G, p.Glu372Gly (NM_001406610.1, NM_001162427.2); and 1 more; short protein forms E106G, E301G, E423G, E302G, E371G, E105G, E372G, E422G.
Identifiers: ClinVar variation 4691455 (VCV004691455.1).
Genomic context (GRCh38, chr9:132,907,366, plus strand): 5'-CCTCTGTCATTCAGAAGATGGTGTTGTCTGTGTAGACATGGTCTTGCAGAATCCATTCTC[T>C]CTTCCTGAAAAGATAAGTATCATTTATATCACAAGACGAAAAATGTTGCACATGTTCTCG-3'
Protein context (NP_000359.1, residues 413-433): QATVTPPRKE[Glu423Gly]RMDSARPCLH